The following is an entry in ClinVar:

ClinVar aggregate classification (germline): Uncertain significance (1 of 4 stars; one submission).

Submission:

Labcorp Genetics (formerly Invitae), Labcorp
Classification: Uncertain significance. Last evaluated: 2021-11-03. Review status: criteria provided, single submitter. Criteria: Invitae Variant Classification Sherloc (09022015). Collection method: clinical testing. Allele origin: germline.
Comment: In summary, the available evidence is currently insufficient to determine the role of this variant in disease. Therefore, it has been classified as a Variant of Uncertain Significance. Algorithms developed to predict the effect of sequence changes on RNA splicing suggest that this variant may create or strengthen a splice site. Algorithms developed to predict the effect of missense changes on protein structure and function are either unavailable or do not agree on the potential impact of this missense change (SIFT: "Tolerated"; PolyPhen-2: "Possibly Damaging"; Align-GVGD: "Class C0"). This variant has not been reported in the literature in individuals affected with PEX3-related conditions. This variant is not present in population databases (gnomAD no frequency). This sequence change replaces tryptophan, which is neutral and slightly polar, with arginine, which is basic and polar, at codon 6 of the PEX3 protein (p.Trp6Arg).

NM_003630.3(PEX3):c.16T>A (p.Trp6Arg)

Gene: PEX3 (peroxisomal biogenesis factor 3; plus strand). Cytogenetic location: 6q24.2.
Variant type: single nucleotide variant.
Coding change: c.16T>A on transcript NM_003630.3 (MANE Select); coding-DNA position 16, T replaced by A.
Protein change: p.Trp6Arg; replaces tryptophan 6 with arginine.
Molecular consequence: missense variant.
Genome position (GRCh38, 1-based): chr6:143,451,058, T>A. VCF-style: chr6-143451058-T-A. GRCh37 (hg19) VCF-style: chr6-143772195-T-A.
Other names: short protein forms W6R.
Identifiers: ClinVar variation 1496988 (VCV001496988.4), dbSNP rs769405267, ClinGen allele CA365902032.